The following is an entry in ClinVar:

ClinVar aggregate classification (germline): Uncertain significance (1 of 4 stars; one submission).

Conditions:
Classic or attenuated familial adenomatous polyposis. Identifiers: MedGen CN372698, MONDO:0021057.

Submission:

All of Us Research Program, National Institutes of Health
Classification: Uncertain significance for Classic or attenuated familial adenomatous polyposis. Last evaluated: 2023-04-03. Review status: criteria provided, single submitter. Criteria: ACMG Guidelines, 2015. Collection method: clinical testing. Allele origin: germline. Inheritance: Autosomal dominant inheritance. Observed: 1 variant allele, 1 heterozygote.
Comment: This missense variant replaces histidine with aspartic acid at codon 286 of the APC protein. Computational prediction suggests that this variant may not impact protein structure and function (internally defined REVEL score threshold <= 0.5, PMID: 27666373). To our knowledge, functional studies have not been reported for this variant. This variant has not been reported in individuals affected with APC-related disorders in the literature. This variant has not been identified in the general population by the Genome Aggregation Database (gnomAD). The available evidence is insufficient to determine the role of this variant in disease conclusively. Therefore, this variant is classified as a Variant of Uncertain Significance.

This study involves interpretation of variants in research participants for the purpose of population health screening. Participant phenotype was not available at the time of variant classification. Additional details can be found in publication PMID: 35346344, PMCID: PMC8962531

NM_000038.6(APC):c.856C>G (p.His286Asp)

Gene: APC (APC regulator of WNT signaling pathway; plus strand). Cytogenetic location: 5q22.2.
Variant type: single nucleotide variant.
Coding change: c.856C>G on transcript NM_000038.6 (MANE Select); coding-DNA position 856, C replaced by G.
Protein change: p.His286Asp; replaces histidine 286 with aspartic acid.
Molecular consequence: missense variant. On other transcripts: non-coding transcript variant (2).
Genome position (GRCh38, 1-based): chr5:112,815,516, C>G. VCF-style: chr5-112815516-C-G. GRCh37 (hg19) VCF-style: chr5-112151213-C-G.
Other names: c.856C>G, p.His286Asp (NM_001127510.3, NM_001354895.2, NM_001354896.2 and 12 more transcripts); c.802C>G, p.His268Asp (NM_001127511.3); c.886C>G, p.His296Asp (NM_001354897.2, NM_001354902.2, NM_001407446.1); c.781C>G, p.His261Asp (NM_001354898.2, NM_001354904.2, NM_001407451.1); c.772C>G, p.His258Asp (NM_001354899.2, NM_001407452.1, NM_001407467.1 and 1 more transcripts); c.679C>G, p.His227Asp (NM_001354900.2, NM_001354901.2, NM_001354905.2 and 1 more transcripts); c.7C>G, p.His3Asp (NM_001354906.2, NM_001407470.1, NM_001407471.1 and 1 more transcripts); short protein forms H227D, H258D, H261D, H268D, H286D, H296D, H3D.
Identifiers: ClinVar variation 3070088 (VCV003070088.1), dbSNP rs1762412291, ClinGen allele CA16023190.